The following is an entry in ClinVar:

ClinVar aggregate classification (germline): Uncertain significance (1 of 4 stars; one submission).

Submission:

Labcorp Genetics (formerly Invitae), Labcorp
Classification: Uncertain significance. Last evaluated: 2024-04-25. Review status: criteria provided, single submitter. Criteria: Invitae Variant Classification Sherloc (09022015). Collection method: clinical testing. Allele origin: germline.
Comment: This sequence change replaces isoleucine, which is neutral and non-polar, with methionine, which is neutral and non-polar, at codon 4836 of the ADGRV1 protein (p.Ile4836Met). This variant is not present in population databases (gnomAD no frequency). This variant has not been reported in the literature in individuals affected with ADGRV1-related conditions. ClinVar contains an entry for this variant (Variation ID: 1014593). Advanced modeling of protein sequence and biophysical properties (such as structural, functional, and spatial information, amino acid conservation, physicochemical variation, residue mobility, and thermodynamic stability) performed at Invitae indicates that this missense variant is not expected to disrupt ADGRV1 protein function with a negative predictive value of 95%. In summary, the available evidence is currently insufficient to determine the role of this variant in disease. Therefore, it has been classified as a Variant of Uncertain Significance.

NM_032119.4(ADGRV1):c.14508A>G (p.Ile4836Met)

Gene: ADGRV1 (adhesion G protein-coupled receptor V1; plus strand). Cytogenetic location: 5q14.3.
Variant type: single nucleotide variant.
Coding change: c.14508A>G on transcript NM_032119.4 (MANE Select); coding-DNA position 14508, A replaced by G.
Protein change: p.Ile4836Met; replaces isoleucine 4836 with methionine.
Molecular consequence: missense variant. On other transcripts: non-coding transcript variant (1).
Genome position (GRCh38, 1-based): chr5:90,791,337, A>G. VCF-style: chr5-90791337-A-G. GRCh37 (hg19) VCF-style: chr5-90087154-A-G.
Other names: short protein forms I4836M.
Identifiers: ClinVar variation 1014593 (VCV001014593.10), dbSNP rs1760056965, ClinGen allele CA360402245.